The following is an entry in ClinVar:

NM_001376.5(DYNC1H1):c.2504G>A (p.Arg835His)

Gene: DYNC1H1 (dynein cytoplasmic 1 heavy chain 1; plus strand). Cytogenetic location: 14q32.31.
Variant type: single nucleotide variant.
Coding change: c.2504G>A on transcript NM_001376.5 (MANE Select); coding-DNA position 2504, G replaced by A.
Protein change: p.Arg835His; replaces arginine 835 with histidine.
Molecular consequence: missense variant.
Genome position (GRCh38, 1-based): chr14:101,986,729, G>A. VCF-style: chr14-101986729-G-A. GRCh37 (hg19) VCF-style: chr14-102453066-G-A.
Other names: c.2504G>A (NM_001376.4); short protein forms R835H.
Identifiers: ClinVar variation 1044560 (VCV001044560.9), dbSNP rs1463717963, ClinGen allele CA391024666.

ClinVar aggregate classification (germline): Uncertain significance. Review status: criteria provided, multiple submitters, no conflicts (2 of 4 stars). 2 submissions from 2 submitters: Uncertain significance (2). Last evaluated 2024-01-02.

Conditions:
Charcot-Marie-Tooth disease axonal type 2O. Also called: CHARCOT-MARIE-TOOTH NEUROPATHY, AXONAL, TYPE 2O; CHARCOT-MARIE-TOOTH DISEASE, AXONAL, AUTOSOMAL DOMINANT, TYPE 2O; Charcot-Marie-Tooth Neuropathy Type 2O; Charcot-Marie-Tooth disease, axonal, type 20. Identifiers: Orphanet 284232, MedGen C3280220, MONDO:0013644, OMIM 614228.
Inborn genetic diseases. Identifiers: MedGen C0950123, MeSH D030342.

Allele frequency attached by ClinVar (database versions not stated): gnomAD exomes below 0.00001 and 0.00001; gnomAD 0.00001.
gnomAD v4.1: 9 of 1,614,078 alleles (0.00056%); highest among the groups gnomAD compares: East Asian, 0.0022%; no homozygotes.

Submissions (2):

Labcorp Genetics (formerly Invitae), Labcorp
Classification: Uncertain significance for Charcot-Marie-Tooth disease axonal type 2O. Last evaluated: 2024-01-02. Review status: criteria provided, single submitter. Criteria: Invitae Variant Classification Sherloc (09022015). Collection method: clinical testing. Allele origin: germline.
Comment: This sequence change replaces arginine, which is basic and polar, with histidine, which is basic and polar, at codon 835 of the DYNC1H1 protein (p.Arg835His). The frequency data for this variant in the population databases is considered unreliable, as metrics indicate poor data quality at this position in the gnomAD database. This variant has not been reported in the literature in individuals affected with DYNC1H1-related conditions. ClinVar contains an entry for this variant (Variation ID: 1044560). Advanced modeling of protein sequence and biophysical properties (such as structural, functional, and spatial information, amino acid conservation, physicochemical variation, residue mobility, and thermodynamic stability) has been performed at Invitae for this missense variant, however the output from this modeling did not meet the statistical confidence thresholds required to predict the impact of this variant on DYNC1H1 protein function. In summary, the available evidence is currently insufficient to determine the role of this variant in disease. Therefore, it has been classified as a Variant of Uncertain Significance.

Ambry Genetics
Classification: Uncertain significance for Inborn genetic diseases. Last evaluated: 2021-11-29. Review status: criteria provided, single submitter. Criteria: Ambry Variant Classification Scheme 2023. Collection method: clinical testing. Allele origin: germline.